The following is an entry in ClinVar:

ClinVar aggregate classification (germline): Uncertain significance (1 of 4 stars; one submission).

Conditions:
Hereditary cancer-predisposing syndrome. Also called: Neoplastic Syndromes, Hereditary; Tumor predisposition; Hereditary Cancer Syndrome; Hereditary neoplastic syndrome. Identifiers: Orphanet 140162, MedGen C0027672, MeSH D009386, MONDO:0015356.

Submission:

Ambry Genetics
Classification: Uncertain significance for Hereditary cancer-predisposing syndrome. Last evaluated: 2026-03-07. Review status: criteria provided, single submitter. Criteria: Ambry Variant Classification Scheme 2023. Collection method: clinical testing. Allele origin: germline.
Comment: The p.M435R variant (also known as c.1304T>G), located in coding exon 6 of the ALK gene, results from a T to G substitution at nucleotide position 1304. The methionine at codon 435 is replaced by arginine, an amino acid with similar properties. This amino acid position is conserved. In addition, the in silico prediction for this alteration is inconclusive. Based on the available evidence, the clinical significance of this variant remains unclear.

NM_004304.5(ALK):c.1304T>G (p.Met435Arg)

Gene: ALK (ALK receptor tyrosine kinase; minus strand). Cytogenetic location: 2p23.2.
Variant type: single nucleotide variant.
Coding change: c.1304T>G on transcript NM_004304.5 (MANE Select); coding-DNA position 1304, T replaced by G.
Protein change: p.Met435Arg; replaces methionine 435 with arginine.
Molecular consequence: missense variant.
Genome position (GRCh38, 1-based): chr2:29,328,460, A>C on the plus strand (T>G on the coding strand, the complement: ALK is on the minus strand). VCF-style: chr2-29328460-A-C. GRCh37 (hg19) VCF-style: chr2-29551326-A-C.
Other names: short protein forms M435R.
Identifiers: ClinVar variation 4827109 (VCV004827109.1).